The following is an entry in ClinVar:

NM_001291415.2(KDM6A):c.787G>A (p.Ala263Thr)

Gene: KDM6A (lysine demethylase 6A; plus strand). Cytogenetic location: Xp11.3.
Variant type: single nucleotide variant.
Coding change: c.787G>A on transcript NM_001291415.2 (MANE Select); coding-DNA position 787, G replaced by A.
Protein change: p.Ala263Thr; replaces alanine 263 with threonine.
Molecular consequence: missense variant. On other transcripts: non-coding transcript variant (1).
Genome position (GRCh38, 1-based): chrX:45,053,867, G>A. VCF-style: chrX-45053867-G-A. GRCh37 (hg19) VCF-style: chrX-44913112-G-A.
Other names: c.787G>A, p.Ala263Thr (NM_001291416.2, NM_001291417.2, NM_001291418.2 and 2 more transcripts); c.34G>A, p.Ala12Thr (NM_001291421.2); short protein forms A12T, A263T.
Identifiers: ClinVar variation 2153745 (VCV002153745.4), dbSNP rs1465655869, ClinGen allele CA412779391.
Genomic context (GRCh38, chrX:45,053,867, plus strand): 5'-TTTTTTAAATCATTTACTGTAGGTTGGATGCATCACACTGTAGATCTCCTGGGAGATAAA[G>A]CCACCAAGGAAAGCTATGCTATTCAGTATCTCCAAAAGTCCTTGGAAGCAGATCCTAATT-3'
Protein context (NP_001278344.1, residues 253-273): HHTVDLLGDK[Ala263Thr]TKESYAIQYL

ClinVar aggregate classification (germline): Uncertain significance (1 of 4 stars; one submission).

Conditions:
Kabuki syndrome 2 (KABUK2). Also called: KDM6A-Related Kabuki Syndrome. Identifiers: Orphanet 2322, MedGen C3275495, MONDO:0010465, OMIM 300867.

Allele frequency attached by ClinVar (database versions not stated): gnomAD exomes below 0.00001; TOPMed 0.00001.

Submission:

Labcorp Genetics (formerly Invitae), Labcorp
Classification: Uncertain significance for Kabuki syndrome 2. Last evaluated: 2023-12-19. Review status: criteria provided, single submitter. Criteria: Invitae Variant Classification Sherloc (09022015). Collection method: clinical testing. Allele origin: germline.
Comment: This sequence change replaces alanine, which is neutral and non-polar, with threonine, which is neutral and polar, at codon 263 of the KDM6A protein (p.Ala263Thr). This variant is not present in population databases (gnomAD no frequency). This variant has not been reported in the literature in individuals affected with KDM6A-related conditions. ClinVar contains an entry for this variant (Variation ID: 2153745). Advanced modeling of protein sequence and biophysical properties (such as structural, functional, and spatial information, amino acid conservation, physicochemical variation, residue mobility, and thermodynamic stability) has been performed at Invitae for this missense variant, however the output from this modeling did not meet the statistical confidence thresholds required to predict the impact of this variant on KDM6A protein function. In summary, the available evidence is currently insufficient to determine the role of this variant in disease. Therefore, it has been classified as a Variant of Uncertain Significance.